The following is an entry in ClinVar:

ClinVar aggregate classification (germline): Uncertain significance (1 of 4 stars; one submission).

Conditions:
Hereditary pancreatitis (PCTT). Also called: Hereditary chronic pancreatitis; PRSS1-Related Hereditary Pancreatitis. Identifiers: Orphanet 676, MedGen C0238339, MONDO:0008185, OMIM 167800.

Allele frequency attached by ClinVar (database versions not stated): ExAC 0.00001; gnomAD 0.00001.
gnomAD v4.1: 2 of 1,316,868 alleles (0.00015%); highest among the groups gnomAD compares: Non-Finnish European, 0.0002%; no homozygotes.

Submission:

Ambry Genetics
Classification: Uncertain significance for Hereditary pancreatitis. Last evaluated: 2025-12-02. Review status: criteria provided, single submitter. Criteria: Ambry Variant Classification Scheme 2023. Collection method: clinical testing. Allele origin: germline.
Comment: The p.A13T variant (also known as c.37G>A), located in coding exon 1 of the CPA1 gene, results from a G to A substitution at nucleotide position 37. The alanine at codon 13 is replaced by threonine, an amino acid with similar properties. This amino acid position is conserved. In addition, this alteration is predicted to be tolerated by in silico analysis. Since supporting evidence is limited at this time, the clinical significance of this alteration remains unclear.

NM_001868.4(CPA1):c.37G>A (p.Ala13Thr)

Gene: CPA1 (carboxypeptidase A1; plus strand). Cytogenetic location: 7q32.2.
Variant type: single nucleotide variant.
Coding change: c.37G>A on transcript NM_001868.4 (MANE Select); coding-DNA position 37, G replaced by A.
Protein change: p.Ala13Thr; replaces alanine 13 with threonine.
Molecular consequence: missense variant.
Genome position (GRCh38, 1-based): chr7:130,380,557, G>A. VCF-style: chr7-130380557-G-A. GRCh37 (hg19) VCF-style: chr7-130020398-G-A.
Other names: short protein forms A13T.
Identifiers: ClinVar variation 1735047 (VCV001735047.3), dbSNP rs782668240, ClinGen allele CA4484651.